The following is an entry in ClinVar:

NM_001540.5(HSPB1):c.66G>C (p.Trp22Cys)

Gene: HSPB1 (heat shock protein family B (small) member 1; plus strand). Cytogenetic location: 7q11.23.
Variant type: single nucleotide variant.
Coding change: c.66G>C on transcript NM_001540.5 (MANE Select); coding-DNA position 66, G replaced by C.
Protein change: p.Trp22Cys; replaces tryptophan 22 with cysteine.
Molecular consequence: missense variant.
Genome position (GRCh38, 1-based): chr7:76,302,778, G>C. VCF-style: chr7-76302778-G-C. GRCh37 (hg19) VCF-style: chr7-75932095-G-C.
Other names: short protein forms W22C.
Identifiers: ClinVar variation 1378900 (VCV001378900.6), dbSNP rs2117157792, ClinGen allele CA367762830.

ClinVar aggregate classification (germline): Uncertain significance (1 of 4 stars; one submission).

Conditions:
Charcot-Marie-Tooth disease axonal type 2F (CMT2F). Also called: Charcot-Marie-Tooth Neuropathy Type 2F; CHARCOT-MARIE-TOOTH DISEASE, NEURONAL, TYPE 2F. Identifiers: Orphanet 99940, MedGen C1847823, MONDO:0011687, OMIM 606595.

Submission:

Labcorp Genetics (formerly Invitae), Labcorp
Classification: Uncertain significance for Charcot-Marie-Tooth disease axonal type 2F. Last evaluated: 2021-08-31. Review status: criteria provided, single submitter. Criteria: Invitae Variant Classification Sherloc (09022015). Collection method: clinical testing. Allele origin: germline.
Comment: This variant is not present in population databases (ExAC no frequency). This variant has not been reported in the literature in individuals affected with HSPB1-related conditions. Algorithms developed to predict the effect of missense changes on protein structure and function are either unavailable or do not agree on the potential impact of this missense change (SIFT: "Deleterious"; PolyPhen-2: "Benign"; Align-GVGD: "Class C0"). In summary, the available evidence is currently insufficient to determine the role of this variant in disease. Therefore, it has been classified as a Variant of Uncertain Significance. This sequence change replaces tryptophan with cysteine at codon 22 of the HSPB1 protein (p.Trp22Cys). The tryptophan residue is highly conserved and there is a large physicochemical difference between tryptophan and cysteine.